The following is an entry in ClinVar:

NM_002968.3(SALL1):c.2590G>A (p.Ala864Thr)

Gene: SALL1 (spalt like transcription factor 1; minus strand). Cytogenetic location: 16q12.1.
Variant type: single nucleotide variant.
Coding change: c.2590G>A on transcript NM_002968.3 (MANE Select); coding-DNA position 2590, G replaced by A.
Protein change: p.Ala864Thr; replaces alanine 864 with threonine.
Molecular consequence: missense variant.
Genome position (GRCh38, 1-based): chr16:51,139,632, C>T on the plus strand (G>A on the coding strand, the complement: SALL1 is on the minus strand). VCF-style: chr16-51139632-C-T. GRCh37 (hg19) VCF-style: chr16-51173543-C-T.
Other names: c.2299G>A, p.Ala767Thr (NM_001127892.2); short protein forms A864T, A767T.
Identifiers: ClinVar variation 597351 (VCV000597351.13), dbSNP rs199626036, ClinGen allele CA8053068.

ClinVar aggregate classification (germline): Conflicting classifications of pathogenicity. Review status: criteria provided, conflicting classifications (1 of 4 stars). 4 submissions from 4 submitters: Uncertain significance (2); Likely benign (2). Last evaluated 2025-04-01.

Conditions:
Townes syndrome (TBS). Also called: Townes-Brocks syndrome. Identifiers: Orphanet 857, MedGen C0265246, MeSH C536974, MONDO:0007142.
Inborn genetic diseases. Identifiers: MedGen C0950123, MeSH D030342.

Allele frequency attached by ClinVar (database versions not stated): gnomAD 0.00001; TOPMed 0.00001.
gnomAD v4.1: 64 of 1,613,478 alleles (0.004%); highest among the groups gnomAD compares: Non-Finnish European, 0.0052%; no homozygotes.

Submissions (4):

Ambry Genetics
Classification: Uncertain significance for Inborn genetic diseases. Last evaluated: 2025-04-01. Review status: criteria provided, single submitter. Criteria: Ambry Variant Classification Scheme 2023. Collection method: clinical testing. Allele origin: germline.

Labcorp Genetics (formerly Invitae), Labcorp
Classification: Likely benign for Townes syndrome. Last evaluated: 2024-12-22. Review status: criteria provided, single submitter. Criteria: Invitae Variant Classification Sherloc (09022015). Collection method: clinical testing. Allele origin: germline.

GeneDx
Classification: Likely benign. Last evaluated: 2023-02-07. Review status: criteria provided, single submitter. Criteria: GeneDx Variant Classification Process June 2021. Collection method: clinical testing. Allele origin: germline. Affected: yes.
Comment: See Variant Classification Assertion Criteria.

Eurofins Ntd Llc (ga)
Classification: Uncertain significance. Last evaluated: 2018-06-11. Review status: criteria provided, single submitter. Criteria: EGL ClinVar v180209 classification definitions. Collection method: clinical testing. Allele origin: germline. Observed: 1 variant allele, 1 heterozygote.